The following is an entry in ClinVar:

NM_000218.3(KCNQ1):c.1733-9C>T

Gene: KCNQ1 (potassium voltage-gated channel subfamily Q member 1; plus strand). Cytogenetic location: 11p15.5.
Variant type: single nucleotide variant.
Coding change: c.1733-9C>T on transcript NM_000218.3 (MANE Select); 9 bases into the intron before coding-DNA position 1733, C replaced by T.
Molecular consequence: intron variant.
Genome position (GRCh38, 1-based): chr11:2,777,967, C>T. VCF-style: chr11-2777967-C-T. GRCh37 (hg19) VCF-style: chr11-2799197-C-T.
Other names: c.1463-9C>T (NM_001406837.1); c.1637-9C>T (NM_001406836.1); c.1193-9C>T (NM_001406838.1); c.1352-9C>T (NM_181798.2); c.245-9C>T (NM_001406839.1).
Identifiers: ClinVar variation 2037778 (VCV002037778.5), dbSNP rs897070017, ClinGen allele CA597110478.
Genomic context (GRCh38, chr11:2,777,967, plus strand): 5'-CCAAGCCCAGCTGGGGTCCCCGGCCCACCCCAGCACTTGGCCCTGATTTGGGTGTTTTAT[C>T]CCCCATAGAAAAGAGCAAGGATCGCGGCAGCAACACGATCGGCGCCCGCCTGAACCGAGT-3'

ClinVar aggregate classification (germline): Likely benign. Review status: criteria provided, multiple submitters, no conflicts (2 of 4 stars). 2 submissions from 2 submitters: Likely benign (2). Last evaluated 2025-07-06.

Conditions:
Long QT syndrome (LQTS). Identifiers: MedGen C0023976, MeSH D008133, MONDO:0002442. Disease mechanism: loss of function. Inheritance: Various modes of inheritance.

gnomAD v4.1: 1 of 1,613,696 alleles (0.000062%); highest among the groups gnomAD compares: South Asian, 0.0011%; no homozygotes.

Submissions (2):

Labcorp Genetics (formerly Invitae), Labcorp
Classification: Likely benign for Long QT syndrome. Last evaluated: 2025-07-06. Review status: criteria provided, single submitter. Criteria: Invitae Variant Classification Sherloc (09022015). Collection method: clinical testing. Allele origin: germline.

All of Us Research Program, National Institutes of Health
Classification: Likely benign for Long QT syndrome. Last evaluated: 2023-10-02. Review status: criteria provided, single submitter. Criteria: ACMG Guidelines, 2015. Collection method: clinical testing. Allele origin: germline. Inheritance: Autosomal dominant inheritance. Observed: 3 variant alleles, 3 heterozygotes.
Comment: This study involves interpretation of variants in research participants for the purpose of population health screening. Participant phenotype was not available at the time of variant classification. Additional details can be found in publication PMID: 35346344, PMCID: PMC8962531